The following is an entry in ClinVar:

NM_001563.4(IMPG1):c.1972G>A (p.Glu658Lys)

Gene: IMPG1 (interphotoreceptor matrix proteoglycan 1; minus strand). Cytogenetic location: 6q14.1.
Variant type: single nucleotide variant.
Coding change: c.1972G>A on transcript NM_001563.4 (MANE Select); coding-DNA position 1972, G replaced by A.
Protein change: p.Glu658Lys; replaces glutamic acid 658 with lysine.
Molecular consequence: missense variant.
Genome position (GRCh38, 1-based): chr6:75,947,386, C>T on the plus strand (G>A on the coding strand, the complement: IMPG1 is on the minus strand). VCF-style: chr6-75947386-C-T. GRCh37 (hg19) VCF-style: chr6-76657103-C-T.
Other names: c.1738G>A, p.Glu580Lys (NM_001282368.2); short protein forms E580K, E658K.
Identifiers: ClinVar variation 866402 (VCV000866402.8), dbSNP rs1375852371, ClinGen allele CA364775189.

ClinVar aggregate classification (germline): Uncertain significance. Review status: criteria provided, multiple submitters, no conflicts (2 of 4 stars). 2 submissions from 2 submitters: Uncertain significance (2). Last evaluated 2021-10-22.

Allele frequency attached by ClinVar (database versions not stated): TOPMed below 0.00001; gnomAD 0.00001; gnomAD exomes 0.00001.
gnomAD v4.1: 8 of 1,613,860 alleles (0.0005%); highest among the groups gnomAD compares: Non-Finnish European, 0.00068%; no homozygotes.

Submissions (2):

Labcorp Genetics (formerly Invitae), Labcorp
Classification: Uncertain significance. Last evaluated: 2021-10-22. Review status: criteria provided, single submitter. Criteria: Invitae Variant Classification Sherloc (09022015). Collection method: clinical testing. Allele origin: germline.
Comment: In summary, the available evidence is currently insufficient to determine the role of this variant in disease. Therefore, it has been classified as a Variant of Uncertain Significance. Algorithms developed to predict the effect of missense changes on protein structure and function (SIFT, PolyPhen-2, Align-GVGD) all suggest that this variant is likely to be disruptive. ClinVar contains an entry for this variant (Variation ID: 866402). This variant has not been reported in the literature in individuals affected with IMPG1-related conditions. This variant is not present in population databases (ExAC no frequency). This sequence change replaces glutamic acid with lysine at codon 658 of the IMPG1 protein (p.Glu658Lys). The glutamic acid residue is highly conserved and there is a small physicochemical difference between glutamic acid and lysine.

Blueprint Genetics
Classification: Uncertain significance. Last evaluated: 2021-08-03. Review status: criteria provided, single submitter. Criteria: ACMG Guidelines, 2015. Collection method: clinical testing. Allele origin: germline.